The following is an entry in ClinVar:

ClinVar aggregate classification (germline): Uncertain significance (1 of 4 stars; one submission).

Conditions:
Encephalopathy, acute, infection-induced (herpes-specific), susceptibility to, 1. Also called: Herpes simplex encephalitis, susceptibility to, 1. Identifiers: Orphanet 1930, MedGen C2750180, MONDO:0024563, OMIM 610551.

Submission:

Labcorp Genetics (formerly Invitae), Labcorp
Classification: Uncertain significance for Encephalopathy, acute, infection-induced (herpes-specific), susceptibility to, 1. Last evaluated: 2023-03-20. Review status: criteria provided, single submitter. Criteria: Invitae Variant Classification Sherloc (09022015). Collection method: clinical testing. Allele origin: germline.
Comment: This variant has not been reported in the literature in individuals affected with TLR3-related conditions. This variant is not present in population databases (gnomAD no frequency). This sequence change replaces asparagine, which is neutral and polar, with lysine, which is basic and polar, at codon 413 of the TLR3 protein (p.Asn413Lys). An algorithm developed to predict the effect of missense changes on protein structure and function (PolyPhen-2) suggests that this variant is likely to be disruptive. In summary, the available evidence is currently insufficient to determine the role of this variant in disease. Therefore, it has been classified as a Variant of Uncertain Significance.

NM_003265.3(TLR3):c.1239C>A (p.Asn413Lys)

Gene: TLR3 (toll like receptor 3; plus strand). Cytogenetic location: 4q35.1.
Variant type: single nucleotide variant.
Coding change: c.1239C>A on transcript NM_003265.3 (MANE Select); coding-DNA position 1239, C replaced by A.
Protein change: p.Asn413Lys; replaces asparagine 413 with lysine.
Molecular consequence: missense variant.
Genome position (GRCh38, 1-based): chr4:186,082,925, C>A. VCF-style: chr4-186082925-C-A. GRCh37 (hg19) VCF-style: chr4-187004079-C-A.
Other names: short protein forms N413K.
Identifiers: ClinVar variation 2847858 (VCV002847858.3), dbSNP rs760876998, ClinGen allele CA358931528.